The following is an entry in ClinVar:

ClinVar aggregate classification (germline): Uncertain significance. Review status: criteria provided, multiple submitters, no conflicts (2 of 4 stars). 2 submissions from 2 submitters: Uncertain significance (2). Last evaluated 2025-08-13.

Conditions:
Inborn genetic diseases. Identifiers: MedGen C0950123, MeSH D030342.

Allele frequency attached by ClinVar (database versions not stated): gnomAD exomes 0.00002 and 0.00006; ExAC 0.00007; gnomAD 0.00013 and 0.00014; TOPMed 0.00019; ESP Exome Variant Server 0.00023.
gnomAD v4.1: 50 of 1,611,702 alleles (0.0031%); highest among the groups gnomAD compares: African/African-American, 0.056%; no homozygotes.

Submissions (2):

Ambry Genetics
Classification: Uncertain significance for Inborn genetic diseases. Last evaluated: 2025-08-13. Review status: criteria provided, single submitter. Criteria: Ambry Variant Classification Scheme 2023. Collection method: clinical testing. Allele origin: germline.

GeneDx
Classification: Uncertain significance. Last evaluated: 2025-01-09. Review status: criteria provided, single submitter. Criteria: GeneDx Variant Classification Process June 2021. Collection method: clinical testing. Allele origin: germline. Affected: yes.
Comment: In silico analysis supports that this missense variant has a deleterious effect on protein structure/function; Has not been previously published as pathogenic or benign to our knowledge

NM_013296.5(GPSM2):c.1468G>A (p.Glu490Lys)

Gene: GPSM2 (G protein signaling modulator 2; plus strand). Cytogenetic location: 1p13.3.
Variant type: single nucleotide variant.
Coding change: c.1468G>A on transcript NM_013296.5 (MANE Select); coding-DNA position 1468, G replaced by A.
Protein change: p.Glu490Lys; replaces glutamic acid 490 with lysine.
Molecular consequence: missense variant.
Genome position (GRCh38, 1-based): chr1:108,922,444, G>A. VCF-style: chr1-108922444-G-A. GRCh37 (hg19) VCF-style: chr1-109465066-G-A.
Other names: c.1468G>A, p.Glu490Lys (NM_001321038.2, NM_001321039.3); short protein forms E490K.
Identifiers: ClinVar variation 1191654 (VCV001191654.6), dbSNP rs151097410, ClinGen allele CA983067.